The following is an entry in ClinVar:

ClinVar aggregate classification (germline): Likely benign (0 of 4 stars; one submission).

Conditions:
KMT2D-related disorder. Also called: KMT2D-Related Disorders.

Allele frequency attached by ClinVar (database versions not stated): TOPMed below 0.00001.

Submission:

PreventionGenetics, part of Exact Sciences
Classification: Likely benign for KMT2D-related condition. Last evaluated: 2021-06-03. Review status: no assertion criteria provided. Collection method: clinical testing. Allele origin: germline.
Comment: This variant is classified as likely benign based on ACMG/AMP sequence variant interpretation guidelines (Richards et al. 2015 PMID: 25741868, with internal and published modifications).

NM_003482.4(KMT2D):c.14515+9G>A

Gene: KMT2D (lysine methyltransferase 2D; minus strand). Cytogenetic location: 12q13.12.
Variant type: single nucleotide variant.
Coding change: c.14515+9G>A on transcript NM_003482.4 (MANE Select); 9 bases into the intron after coding-DNA position 14515, G replaced by A.
Molecular consequence: intron variant.
Genome position (GRCh38, 1-based): chr12:49,028,000, C>T on the plus strand (G>A on the coding strand, the complement: KMT2D is on the minus strand). VCF-style: chr12-49028000-C-T. GRCh37 (hg19) VCF-style: chr12-49421783-C-T.
Identifiers: ClinVar variation 3029698 (VCV003029698.2), dbSNP rs1942691402, ClinGen allele CA947435577.